The following is an entry in ClinVar:

ClinVar aggregate classification (germline): Likely benign (1 of 4 stars; one submission).

Submission:

GeneDx
Classification: Likely benign. Last evaluated: 2018-03-12. Review status: criteria provided, single submitter. Criteria: GeneDx Variant Classification (06012015). Collection method: clinical testing. Allele origin: germline. Affected: yes.
Comment: This variant is considered likely benign or benign based on one or more of the following criteria: it is a conservative change, it occurs at a poorly conserved position in the protein, it is predicted to be benign by multiple in silico algorithms, and/or has population frequency not consistent with disease.

NM_001849.3(COL6A2):c.2423-18_2423-17ins30

Gene: COL6A2 (collagen type VI alpha 2 chain; plus strand). Cytogenetic location: 21q22.3.
Variant type: Insertion.
Coding change: c.2423-18_2423-17ins30 on transcript NM_001849.3; 18 bases into the intron before coding-DNA position 2423 through 17 bases into the intron before coding-DNA position 2423, an insertion.
Identifiers: ClinVar variation 516004 (VCV000516004.1).